The following is an entry in ClinVar:

ClinVar aggregate classification (germline): Likely benign. Review status: reviewed by expert panel (3 of 4 stars). 9 submissions from 9 submitters: Likely benign (1). 8 of the submissions do not count toward it. Last evaluated 2025-06-24.

Conditions:
Global developmental delay - lung cysts - overgrowth - Wilms tumor syndrome. Also called: GLOBAL DEVELOPMENTAL DELAY, LUNG CYSTS, OVERGROWTH, AND WILMS TUMOR; GLOW Syndrome. Identifiers: Orphanet 404476, MedGen C4748924, MONDO:0018445, OMIM 618272.
DICER1-related tumor predisposition. Also called: DICER1 syndrome; DICER1-related pleuropulmonary blastoma cancer predisposition syndrome. Identifiers: Orphanet 284343, MedGen C3839822, MONDO:0100216.
Hereditary cancer-predisposing syndrome. Also called: Tumor predisposition; Hereditary neoplastic syndrome; Neoplastic Syndromes, Hereditary; Hereditary Cancer Syndrome. Identifiers: Orphanet 140162, MedGen C0027672, MeSH D009386, MONDO:0015356.

Allele frequency attached by ClinVar (database versions not stated): gnomAD 0.00002; TOPMed 0.00002; ExAC 0.00003; gnomAD exomes 0.00003 and 0.00012.
gnomAD v4.1: 171 of 1,613,922 alleles (0.011%); highest among the groups gnomAD compares: Non-Finnish European, 0.014%; no homozygotes.

Submissions (9):

ClinGen DICER1 and miRNA-Processing Gene Variant Curation Expert Panel, ClinGen
Classification: Likely benign for DICER1-related tumor predisposition. Last evaluated: 2025-06-24. Review status: reviewed by expert panel. Criteria: ClinGen DICER1 ACMG Specifications DICER1 V1.3.0. Collection method: curation. Allele origin: germline. Inheritance: Autosomal dominant inheritance.
Comment: The NM_177438.2:c.5516G>A variant in DICER1 is a missense variant predicted to cause substitution of arginine by glutamine at amino acid 1839 (p.Arg1839Gln). This variant has been seen in 40 or more unrelated females without tumors through age 50 in at least one testing laboratory (BS2; Internal lab contributors). The total allele frequency in gnomAD v4.1.0 is 0.0001060 (171/1613922 alleles) with a highest population minor allele frequency of 0.0001415 (167/1180020 alleles) in the European (non-Finnish) population (PM2_Supporting, BS1, and BA1 are not met). This variant resides within the RNase IIIb domain (PM1_Supporting; PMID: 31342592). The computational predictor REVEL gives a score of 0.234, which is below the threshold of 0.5, and the splice site predictors MaxEntScan and SpliceAI indicate that the variant has no impact on splicing, evidence that does not predict a damaging effect on DICER1 function (BP4). In summary, this variant meets the criteria to be classified as Likely Benign for DICER1-related tumor predisposition based on the ACMG/AMP criteria applied, as specified by the ClinGen DICER1 VCEP: BS2, PM1_Supporting, BP4. (Bayesian Points: -4; VCEP specifications version 1.3.0; 06/24/2025)

Labcorp Genetics (formerly Invitae), Labcorp
Classification: Likely benign for DICER1-related tumor predisposition. Last evaluated: 2026-02-03. Review status: criteria provided, single submitter. Criteria: Invitae Variant Classification Sherloc (09022015). Collection method: clinical testing. Allele origin: germline. Not counted in ClinVar's aggregate classification.

Ambry Genetics
Classification: Likely benign for Hereditary cancer-predisposing syndrome. Last evaluated: 2025-08-16. Review status: criteria provided, single submitter. Criteria: Ambry Variant Classification Scheme 2023. Collection method: clinical testing. Allele origin: germline. Not counted in ClinVar's aggregate classification.

Center for Genomic Medicine, Rigshospitalet, Copenhagen University Hospital
Classification: Uncertain significance. Last evaluated: 2025-03-04. Review status: criteria provided, single submitter. Criteria: ACMG Guidelines, 2015. Collection method: clinical testing. Allele origin: germline. Not counted in ClinVar's aggregate classification.

Baylor Genetics
Classification: Uncertain significance for Global developmental delay - lung cysts - overgrowth - Wilms tumor syndrome. Last evaluated: 2024-01-08. Review status: criteria provided, single submitter. Criteria: ACMG Guidelines, 2015. Collection method: clinical testing. Allele origin: unknown. Not counted in ClinVar's aggregate classification.

GeneDx
Classification: Uncertain significance. Last evaluated: 2023-11-26. Review status: criteria provided, single submitter. Criteria: GeneDx Variant Classification Process June 2021. Collection method: clinical testing. Allele origin: germline. Affected: yes. Not counted in ClinVar's aggregate classification.
Comment: In silico analysis supports that this missense variant does not alter protein structure/function; Has not been previously published as pathogenic or benign to our knowledge; This variant is associated with the following publications: (PMID: 24728327)

Sema4
Classification: Uncertain significance for Hereditary cancer-predisposing syndrome. Last evaluated: 2022-02-05. Review status: criteria provided, single submitter. Criteria: Sema4 Curation Guidelines. Collection method: curation. Allele origin: germline. Not counted in ClinVar's aggregate classification.
Comment: The DICER1 c.5516G>A (p.R1839Q) variant has not been reported in individuals with DICER1-related disease. This variant was observed in 8/129108 chromosomes in the Non-Finnish European population according to the Genome Aggregation Database (PMID: 32461654). This variant has been reported in ClinVar (Variation ID: 133976). Functional studies have not been performed, and in silico predictions of the variant's effect on protein function are inconclusive. The evidence is insufficient to meet ACMG/AMP criteria for classifying the variant as benign or pathogenic. Thus, the clinical significance of this variant is currently uncertain.

Illumina Laboratory Services, Illumina
Classification: Uncertain significance for Pleuropulmonary blastoma. Last evaluated: 2018-01-13. Review status: criteria provided, single submitter. Criteria: ICSL Variant Classification Criteria 13 December 2019. Collection method: clinical testing. Allele origin: germline. Not counted in ClinVar's aggregate classification.

ITMI
No classification provided. Condition: AllHighlyPenetrant. Last evaluated: 2013-09-19. Review status: no classification provided. Collection method: reference population. Allele origin: germline. Not counted in ClinVar's aggregate classification.
Comment: Please see associated publication for description of ethnicities

Literature cited by the submitters: PubMed 24728327 (cited by ITMI).

NM_177438.3(DICER1):c.5516G>A (p.Arg1839Gln)

Gene: DICER1 (dicer 1, ribonuclease III; minus strand). Cytogenetic location: 14q32.13.
Variant type: single nucleotide variant.
Coding change: c.5516G>A on transcript NM_177438.3 (MANE Select); coding-DNA position 5516, G replaced by A.
Protein change: p.Arg1839Gln; replaces arginine 1839 with glutamine.
Molecular consequence: missense variant. On other transcripts: intron variant (1).
Genome position (GRCh38, 1-based): chr14:95,091,214, C>T on the plus strand (G>A on the coding strand, the complement: DICER1 is on the minus strand). VCF-style: chr14-95091214-C-T. GRCh37 (hg19) VCF-style: chr14-95557551-C-T.
Other names: NM_177438.3(DICER1):c.5516G>A; p.Arg1839Gln; c.5516G>A, p.Arg1839Gln (NM_001271282.3, NM_001291628.2, NM_030621.4); c.5365-105G>A (NM_001195573.1); short protein forms R1839Q.
Identifiers: ClinVar variation 133976 (VCV000133976.35), dbSNP rs587778233, ClinGen allele CA158288.